The following is an entry in ClinVar:

ClinVar aggregate classification (germline): Uncertain significance (1 of 4 stars; one submission).

Conditions:
Kabuki syndrome 2 (KABUK2). Also called: KDM6A-Related Kabuki Syndrome. Identifiers: Orphanet 2322, MedGen C3275495, MONDO:0010465, OMIM 300867.

gnomAD v4.1: 1 of 1,190,919 alleles (0.000084%); highest among the groups gnomAD compares: Non-Finnish European, 0.00011%; no homozygotes.

Submission:

Labcorp Genetics (formerly Invitae), Labcorp
Classification: Uncertain significance for Kabuki syndrome 2. Last evaluated: 2025-06-16. Review status: criteria provided, single submitter. Criteria: Invitae Variant Classification Sherloc (09022015). Collection method: clinical testing. Allele origin: germline.
Comment: This sequence change replaces leucine, which is neutral and non-polar, with phenylalanine, which is neutral and non-polar, at codon 232 of the KDM6A protein (p.Leu232Phe). The frequency data for this variant in the population databases is considered unreliable, as metrics indicate poor data quality at this position in the gnomAD database. This variant has not been reported in the literature in individuals affected with KDM6A-related conditions. ClinVar contains an entry for this variant (Variation ID: 2979119). Invitae Evidence Modeling of protein sequence and biophysical properties (such as structural, functional, and spatial information, amino acid conservation, physicochemical variation, residue mobility, and thermodynamic stability) indicates that this missense variant is expected to disrupt KDM6A protein function with a positive predictive value of 80%. In summary, the available evidence is currently insufficient to determine the role of this variant in disease. Therefore, it has been classified as a Variant of Uncertain Significance.

NM_001291415.2(KDM6A):c.696G>T (p.Leu232Phe)

Gene: KDM6A (lysine demethylase 6A; plus strand). Cytogenetic location: Xp11.3.
Variant type: single nucleotide variant.
Coding change: c.696G>T on transcript NM_001291415.2 (MANE Select); coding-DNA position 696, G replaced by T.
Protein change: p.Leu232Phe; replaces leucine 232 with phenylalanine.
Molecular consequence: missense variant. On other transcripts: 5 prime UTR variant (1), non-coding transcript variant (1).
Genome position (GRCh38, 1-based): chrX:45,051,750, G>T. VCF-style: chrX-45051750-G-T. GRCh37 (hg19) VCF-style: chrX-44910995-G-T.
Other names: c.696G>T, p.Leu232Phe (NM_001291416.2, NM_001291417.2, NM_001291418.2 and 9 more transcripts); c.-58G>T (NM_001291421.2); short protein forms L232F.
Identifiers: ClinVar variation 2979119 (VCV002979119.3), dbSNP rs777629156, ClinGen allele CA412778332.
Genomic context (GRCh38, chrX:45,051,750, plus strand): 5'-CTCTTTTTCTGTTCTTTAGAGGAAATATCATTCTGCAAAAGAAGCTTATGAACAACTTTT[G>T]CAGACAGAGAATCTTTCTGCACAAGTAAAAGCAACTGTCTTACAACAGTTAGGTATGTAA-3'
Protein context (NP_001278344.1, residues 222-242): HSAKEAYEQL[Leu232Phe]QTENLSAQVK